The following is an entry in ClinVar:

NM_000548.5(TSC2):c.5238_5255dup (p.His1746_Arg1751dup)

Gene: TSC2 (TSC complex subunit 2; plus strand). Cytogenetic location: 16p13.3.
Variant type: Duplication.
Coding change: c.5238_5255dup on transcript NM_000548.5 (MANE Select); coding-DNA positions 5238 to 5255, 18 bases duplicated (CATCAAGCGGCTCCGCCA).
Protein change: p.His1746_Arg1751dup.
Molecular consequence: inframe insertion.
Genome position (GRCh38, 1-based): chr16:2,088,304-2,088,321, CATCAAGCGGCTCCGCCA duplicated; duplicating any 18 consecutive bases within chr16:2,088,293-2,088,321 gives the same sequence; the c. name uses the placement nearest the transcript's 3' end. VCF-style (leftmost placement, unchanged base first): chr16-2088292-C-CCGGCTCCGCCACATCAAG. GRCh37 (hg19) VCF-style: chr16-2138293-C-CCGGCTCCGCCACATCAAG.
Other names: c.5238_5255dupCATCAAGCGGCTCCGCCA (NM_000548.3); c.5037_5054dup, p.His1679_Arg1684dup (NM_001077183.3); c.5169_5186dup, p.His1723_Arg1728dup (NM_001114382.3); c.4929_4946dup, p.His1643_Arg1648dup (NM_001318827.2); c.4893_4910dup, p.His1631_Arg1636dup (NM_001318829.2); c.4506_4523dup, p.His1502_Arg1507dup (NM_001318831.2); c.5070_5087dup, p.His1690_Arg1695dup (NM_001318832.2); c.5040_5057dup, p.His1680_Arg1685dup (NM_001363528.2); and 3 more.
Identifiers: ClinVar variation 962769 (VCV000962769.14), dbSNP rs137854218, ClinGen allele CA620705069.
Genomic context (GRCh38, chr16:2,088,292, plus strand): 5'-CTCACAGGTGCATCATAGCCGCTCCAACCCCACCGATATCTACCCCTCCAAGTGGATTGC[C>CCGGCTCCGCCACATCAAG]CGGCTCCGCCACATCAAGCGGCTCCGCCAGCGGGTAGGGAATATGGGGCTCCCTCAGCGG-3'

ClinVar aggregate classification (germline): Uncertain significance. Review status: criteria provided, multiple submitters, no conflicts (2 of 4 stars). 5 submissions from 5 submitters: Uncertain significance (5). Last evaluated 2025-11-17.

Conditions:
Tuberous sclerosis syndrome (TSC). Also called: Tuberous Sclerosis Complex; Tuberous sclerosis. Identifiers: Orphanet 805, MedGen C0041341, MONDO:0001734.
Hereditary cancer-predisposing syndrome. Also called: Hereditary neoplastic syndrome; Tumor predisposition; Neoplastic Syndromes, Hereditary; Hereditary Cancer Syndrome. Identifiers: Orphanet 140162, MedGen C0027672, MeSH D009386, MONDO:0015356.
Tuberous sclerosis 2 (TSC2). Identifiers: Orphanet 805, MedGen C1860707, MONDO:0013199, OMIM 613254.

Submissions (5):

Labcorp Genetics (formerly Invitae), Labcorp
Classification: Uncertain significance for Tuberous sclerosis 2. Last evaluated: 2025-11-17. Review status: criteria provided, single submitter. Criteria: Invitae Variant Classification Sherloc (09022015). Collection method: clinical testing. Allele origin: germline.
Comment: This variant, c.5238_5255dup, results in the insertion of 6 amino acid(s) of the TSC2 protein (p.His1746_Arg1751dup), but otherwise preserves the integrity of the reading frame. This variant is present in population databases (no rsID available, gnomAD 0.0009%). This variant has been observed in individual(s) with tuberous sclerosis complex (PMID: 32313033). ClinVar contains an entry for this variant (Variation ID: 962769). Experimental studies and prediction algorithms are not available or were not evaluated, and the functional significance of this variant is currently unknown. In summary, the available evidence is currently insufficient to determine the role of this variant in disease. Therefore, it has been classified as a Variant of Uncertain Significance.

Color Diagnostics, LLC DBA Color Health
Classification: Uncertain significance for Tuberous sclerosis syndrome. Last evaluated: 2025-10-03. Review status: criteria provided, single submitter. Criteria: ACMG Guidelines, 2015. Collection method: clinical testing. Allele origin: germline.
Comment: This variant causes the in-frame duplication of 6 amino acids from positions 1746 to 1751 of the TSC2 protein. To our knowledge, functional studies have not been reported for this variant. This variant has been reported in an individual affected with tuberous sclerosis in the literature (PMID: 32313033). This variant has been identified in 4/1460560 chromosomes in the general population by the Genome Aggregation Database (gnomAD). The available evidence is insufficient to determine the role of this variant in disease conclusively. Therefore, this variant is classified as a Variant of Uncertain Significance.

Quest Diagnostics Nichols Institute San Juan Capistrano
Classification: Uncertain significance. Last evaluated: 2025-09-12. Review status: criteria provided, single submitter. Criteria: Quest Diagnostics criteria. Collection method: clinical testing. Allele origin: unknown.

Ambry Genetics
Classification: Uncertain significance for Hereditary cancer-predisposing syndrome. Last evaluated: 2021-08-20. Review status: criteria provided, single submitter. Criteria: Ambry Variant Classification Scheme 2023. Collection method: clinical testing. Allele origin: germline.
Comment: The c.5238_5255dup18 variant (also known as p.H1746_R1751dup), located in coding exon 40 of the TSC2 gene, results from an in-frame duplication of 18 nucleotides at nucleotide positions 5238 to 5255. This results in the duplication of 6 extra residues (HIKRLR) between codons 1746 and 1751. This amino acid region is well conserved in available vertebrate species. In addition, this alteration is predicted to be deleterious by in silico analysis (Choi Y et al. PLoS ONE. 2012; 7(10):e46688). Since supporting evidence is limited at this time, the clinical significance of this alteration remains unclear.

Sema4
Classification: Uncertain significance for Hereditary cancer-predisposing syndrome. Last evaluated: 2021-05-14. Review status: criteria provided, single submitter. Criteria: Sema4 Curation Guidelines. Collection method: curation. Allele origin: germline.
Comment: The TSC2 c.5238_5255dup (p.H1746_R1751dup) variant has been reported in one individual with tuberous sclerosis complex (PMID: 32313033). This variant was observed in 1/112706 chromosomes in the Non-Finnish European subpopulation according to the Genome Aggregation Database (PMID: 32461654). This variant has been reported in ClinVar (Variation ID: 962769). In silico tools suggest the impact of the variant on protein function is benign, though these predictions have not been confirmed by functional studies. The overall evidence is insufficient to meet ACMG/AMP criteria for classifying it as benign or pathogenic. In summary, the clinical significance of this variant is currently uncertain.

Literature cited by the submitters: PubMed 32313033 (cited by 4 submitters).